The following is an entry in ClinVar:

NM_001813.3(CENPE):c.326C>G (p.Ala109Gly)

Gene: CENPE (centromere protein E; minus strand). Cytogenetic location: 4q24.
Variant type: single nucleotide variant.
Coding change: c.326C>G on transcript NM_001813.3 (MANE Select); coding-DNA position 326, C replaced by G.
Protein change: p.Ala109Gly; replaces alanine 109 with glycine.
Molecular consequence: missense variant.
Genome position (GRCh38, 1-based): chr4:103,195,951, G>C on the plus strand (C>G on the coding strand, the complement: CENPE is on the minus strand). VCF-style: chr4-103195951-G-C. GRCh37 (hg19) VCF-style: chr4-104117108-G-C.
Other names: c.326C>G, p.Ala109Gly (NM_001286734.2); short protein forms A109G.
Identifiers: ClinVar variation 789728 (VCV000789728.8), dbSNP rs115065523, ClinGen allele CA3030785.

ClinVar aggregate classification (germline): Conflicting classifications of pathogenicity. Review status: criteria provided, conflicting classifications (1 of 4 stars). 2 submissions from 2 submitters: Uncertain significance (1); Likely benign (1). Last evaluated 2023-10-09.

Allele frequency attached by ClinVar (database versions not stated): gnomAD exomes 0.00011 and 0.00023; ExAC 0.00029; 1000 Genomes Project 30x 0.00031; 1000 Genomes Project 0.00040; gnomAD 0.00113 and 0.00125; TOPMed 0.00114; ESP Exome Variant Server 0.00123.
gnomAD v4.1: 340 of 1,613,212 alleles (0.021%); highest among the groups gnomAD compares: African/African-American, 0.41%; no homozygotes.

Submissions (2):

GeneDx
Classification: Uncertain significance. Last evaluated: 2023-10-09. Review status: criteria provided, single submitter. Criteria: GeneDx Variant Classification Process June 2021. Collection method: clinical testing. Allele origin: germline. Affected: yes.
Comment: Has not been previously reported as pathogenic or benign to our knowledge; In silico analysis, which includes protein predictors and evolutionary conservation, supports a deleterious effect; This variant is associated with the following publications: (PMID: 22974711)

Labcorp Genetics (formerly Invitae), Labcorp
Classification: Likely benign. Last evaluated: 2019-12-31. Review status: criteria provided, single submitter. Criteria: Invitae Variant Classification Sherloc (09022015). Collection method: clinical testing. Allele origin: germline.